The following is an entry in ClinVar:

ClinVar aggregate classification (germline): Uncertain significance. Review status: criteria provided, multiple submitters, no conflicts (2 of 4 stars). 2 submissions from 2 submitters: Uncertain significance (2). Last evaluated 2025-04-04.

Conditions:
Inborn genetic diseases. Identifiers: MedGen C0950123, MeSH D030342.
Acrocallosal syndrome (ACLS). Also called: HALLUX DUPLICATION, POSTAXIAL POLYDACTYLY, AND ABSENCE OF CORPUS CALLOSUM; Schinzel syndrome 1; Absence of corpus callosum with unusual facial appearance, mental deficiency, duplication of the halluces and polydactyly. Identifiers: Orphanet 36, MedGen C0796147, MONDO:0008708, OMIM 200990.

Allele frequency attached by ClinVar (database versions not stated): gnomAD 0.00001; TOPMed 0.00001.
gnomAD v4.1: 6 of 1,612,388 alleles (0.00037%); highest among the groups gnomAD compares: Non-Finnish European, 0.00051%; no homozygotes.

Submissions (2):

Ambry Genetics
Classification: Uncertain significance for Inborn genetic diseases. Last evaluated: 2025-04-04. Review status: criteria provided, single submitter. Criteria: Ambry Variant Classification Scheme 2023. Collection method: clinical testing. Allele origin: germline.

Labcorp Genetics (formerly Invitae), Labcorp
Classification: Uncertain significance for Acrocallosal syndrome. Last evaluated: 2024-12-02. Review status: criteria provided, single submitter. Criteria: Invitae Variant Classification Sherloc (09022015). Collection method: clinical testing. Allele origin: germline.
Comment: This sequence change replaces arginine, which is basic and polar, with glycine, which is neutral and non-polar, at codon 1233 of the KIF7 protein (p.Arg1233Gly). This variant is present in population databases (no rsID available, gnomAD 0.007%). This variant has not been reported in the literature in individuals affected with KIF7-related conditions. ClinVar contains an entry for this variant (Variation ID: 1447974). Invitae Evidence Modeling of protein sequence and biophysical properties (such as structural, functional, and spatial information, amino acid conservation, physicochemical variation, residue mobility, and thermodynamic stability) indicates that this missense variant is not expected to disrupt KIF7 protein function with a negative predictive value of 80%. In summary, the available evidence is currently insufficient to determine the role of this variant in disease. Therefore, it has been classified as a Variant of Uncertain Significance.

NM_198525.3(KIF7):c.3697A>G (p.Arg1233Gly)

Gene: KIF7 (kinesin family member 7; minus strand). Cytogenetic location: 15q26.1.
Variant type: single nucleotide variant.
Coding change: c.3697A>G on transcript NM_198525.3 (MANE Select); coding-DNA position 3697, A replaced by G.
Protein change: p.Arg1233Gly; replaces arginine 1233 with glycine.
Molecular consequence: missense variant.
Genome position (GRCh38, 1-based): chr15:89,628,754, T>C on the plus strand (A>G on the coding strand, the complement: KIF7 is on the minus strand). VCF-style: chr15-89628754-T-C. GRCh37 (hg19) VCF-style: chr15-90171985-T-C.
Other names: c.3697A>G (NM_198525.2); short protein forms R1233G.
Identifiers: ClinVar variation 1447974 (VCV001447974.9), dbSNP rs1410298399, ClinGen allele CA393753609.